The following is an entry in ClinVar:

ClinVar aggregate classification (germline): Uncertain significance. Review status: criteria provided, multiple submitters, no conflicts (2 of 4 stars). 4 submissions from 4 submitters: Uncertain significance (4). Last evaluated 2026-02-04.

Conditions:
MAGEL2-related disorder. Also called: MAGEL2-related condition.
Inborn genetic diseases. Identifiers: MedGen C0950123, MeSH D030342.

Allele frequency attached by ClinVar (database versions not stated): gnomAD 0.00001; TOPMed 0.00001; ExAC 0.00008.

Submissions (4):

PreventionGenetics, part of Exact Sciences
Classification: Uncertain significance for MAGEL2-related condition. Last evaluated: 2026-02-04. Review status: criteria provided, single submitter. Criteria: ACMG Guidelines, 2015. Collection method: clinical testing. Allele origin: germline.
Comment: The MAGEL2 c.970C>G variant is predicted to result in the amino acid substitution p.Gln324Glu. To our knowledge, this variant has not been reported in the literature. This variant is reported in 0.012% of alleles in individuals of Latino descent in gnomAD. Although we suspect that this variant may be benign, at this time, the clinical significance of this variant is uncertain due to the absence of conclusive functional and genetic evidence.

Labcorp Genetics (formerly Invitae), Labcorp
Classification: Uncertain significance. Last evaluated: 2025-05-28. Review status: criteria provided, single submitter. Criteria: Invitae Variant Classification Sherloc (09022015). Collection method: clinical testing. Allele origin: germline.
Comment: This sequence change replaces glutamine, which is neutral and polar, with glutamic acid, which is acidic and polar, at codon 324 of the MAGEL2 protein (p.Gln324Glu). This variant is present in population databases (rs761937580, gnomAD 0.01%). This variant has not been reported in the literature in individuals affected with MAGEL2-related conditions. ClinVar contains an entry for this variant (Variation ID: 3042757). Experimental studies and prediction algorithms are not available or were not evaluated, and the functional significance of this variant is currently unknown. In summary, the available evidence is currently insufficient to determine the role of this variant in disease. Therefore, it has been classified as a Variant of Uncertain Significance.

Ambry Genetics
Classification: Uncertain significance for Inborn genetic diseases. Last evaluated: 2025-04-12. Review status: criteria provided, single submitter. Criteria: Ambry Variant Classification Scheme 2023. Collection method: clinical testing. Allele origin: germline.

GeneDx
Classification: Uncertain significance. Last evaluated: 2022-01-13. Review status: criteria provided, single submitter. Criteria: GeneDx Variant Classification Process June 2021. Collection method: clinical testing. Allele origin: germline. Affected: yes.
Comment: In silico analysis indicates that this missense variant does not alter protein structure/function; Has not been previously published as pathogenic or benign to our knowledge

NM_019066.5(MAGEL2):c.970C>G (p.Gln324Glu)

Gene: MAGEL2 (MAGE family member L2; minus strand). Cytogenetic location: 15q11.2.
Variant type: single nucleotide variant.
Coding change: c.970C>G on transcript NM_019066.5 (MANE Select); coding-DNA position 970, C replaced by G.
Protein change: p.Gln324Glu; replaces glutamine 324 with glutamic acid.
Molecular consequence: missense variant.
Genome position (GRCh38, 1-based): chr15:23,646,773, G>C on the plus strand (C>G on the coding strand, the complement: MAGEL2 is on the minus strand). VCF-style: chr15-23646773-G-C. GRCh37 (hg19) VCF-style: chr15-23891920-G-C.
Other names: short protein forms Q324E.
Identifiers: ClinVar variation 3042757 (VCV003042757.6), dbSNP rs761937580, ClinGen allele CA7430061.
Genomic context (GRCh38, chr15:23,646,773, plus strand): 5'-CTTGAGACTGGATTTGCAGGATCAGAGGCTGAGCCTGCGGGGCCCAAGAAGCCATCGGCT[G>C]TGCAGGTGGGGCCATCGGCTGTGCAGGTGGGGCCGCCGGCTGTGCCATCGGTGCTCCTGA-3'
Protein context (NP_061939.3, residues 314-334): PPAQPMAPPA[Gln324Glu]PMASWAPQAQ